The following is an entry in ClinVar:

NM_198076.6(COX20):c.222G>A (p.Trp74Ter)

Gene: COX20 (cytochrome c oxidase assembly factor COX20; plus strand). Cytogenetic location: 1q44.
Variant type: single nucleotide variant.
Coding change: c.222G>A on transcript NM_198076.6 (MANE Select); coding-DNA position 222, G replaced by A.
Protein change: p.Trp74Ter; replaces tryptophan 74 with a stop codon.
Molecular consequence: nonsense. On other transcripts: 3 prime UTR variant (1), non-coding transcript variant (3).
Genome position (GRCh38, 1-based): chr1:244,843,041, G>A. VCF-style: chr1-244843041-G-A. GRCh37 (hg19) VCF-style: chr1-245006343-G-A.
Other names: c.222G>A, p.Trp74Ter (NM_001312871.1); c.258G>A, p.Trp86Ter (NM_001312872.1); c.87G>A, p.Trp29Ter (NM_001312873.1); c.*32G>A (NM_001312874.1); short protein forms W86*, W29*, W74*.
Identifiers: ClinVar variation 2122014 (VCV002122014.4), dbSNP rs766397584, ClinGen allele CA345485123.

ClinVar aggregate classification (germline): Uncertain significance (1 of 4 stars; one submission).

gnomAD v4.1: 1 of 1,543,084 alleles (0.000065%); highest among the groups gnomAD compares: Non-Finnish European, 0.000087%; no homozygotes.

Submission:

Labcorp Genetics (formerly Invitae), Labcorp
Classification: Uncertain significance. Last evaluated: 2025-11-03. Review status: criteria provided, single submitter. Criteria: Invitae Variant Classification Sherloc (09022015). Collection method: clinical testing. Allele origin: germline.
Comment: This sequence change creates a premature translational stop signal (p.Trp74*) in the COX20 gene. While this is not anticipated to result in nonsense mediated decay, it is expected to disrupt the last 45 amino acid(s) of the COX20 protein. This variant is not present in population databases (gnomAD no frequency). This variant has not been reported in the literature in individuals affected with COX20-related conditions. ClinVar contains an entry for this variant (Variation ID: 2122014). Experimental studies and prediction algorithms are not available or were not evaluated, and the functional significance of this variant is currently unknown. In summary, the available evidence is currently insufficient to determine the role of this variant in disease. Therefore, it has been classified as a Variant of Uncertain Significance.